The following is an entry in ClinVar:

NM_012154.5(AGO2):c.1857C>G (p.Asp619Glu)

Gene: AGO2 (argonaute RISC catalytic component 2; minus strand). Cytogenetic location: 8q24.3.
Variant type: single nucleotide variant.
Coding change: c.1857C>G on transcript NM_012154.5 (MANE Select); coding-DNA position 1857, C replaced by G.
Protein change: p.Asp619Glu; replaces aspartic acid 619 with glutamic acid.
Molecular consequence: missense variant.
Genome position (GRCh38, 1-based): chr8:140,541,341, G>C on the plus strand (C>G on the coding strand, the complement: AGO2 is on the minus strand). VCF-style: chr8-140541341-G-C. GRCh37 (hg19) VCF-style: chr8-141551440-G-C.
Other names: c.1857C>G, p.Asp619Glu (NM_001164623.3); short protein forms D619E.
Identifiers: ClinVar variation 3027200 (VCV003027200.22), dbSNP rs757196822, ClinGen allele CA372333433.

ClinVar aggregate classification (germline): Uncertain significance (1 of 4 stars; one submission).

Submission:

CeGaT Center for Human Genetics Tuebingen
Classification: Uncertain significance. Last evaluated: 2024-08-01. Review status: criteria provided, single submitter. Criteria: CeGaT Center For Human Genetics Tuebingen Variant Classification Criteria Version 2. Collection method: clinical testing. Allele origin: germline. Affected: yes. Observed: 3 variant alleles.
Comment: AGO2: PM2, PP2